The following is an entry in ClinVar:

ClinVar aggregate classification (germline): Likely pathogenic (1 of 4 stars; one submission).

Conditions:
Muscular dystrophy-dystroglycanopathy (congenital with brain and eye anomalies), type A, 7. Also called: WALKER-WARBURG SYNDROME OR MUSCLE-EYE-BRAIN DISEASE, ISPD-RELATED; Congenital muscular dystrophy-dystroglycanopathy with brain and eye anomalies, type A7. Identifiers: Orphanet 899, MedGen C3553330, MONDO:0013835, OMIM 614643.
Autosomal recessive limb-girdle muscular dystrophy type 2U. Also called: Muscular dystrophy-dystroglycanopathy (limb-girdle), type c, 7; MUSCULAR DYSTROPHY, LIMB-GIRDLE, TYPE 2U. Identifiers: Orphanet 352479, MedGen C5190987, MONDO:0014474, OMIM 616052.

Submission:

Labcorp Genetics (formerly Invitae), Labcorp
Classification: Likely pathogenic for Muscular dystrophy-dystroglycanopathy (congenital with brain and eye anomalies), type A, 7; Autosomal recessive limb-girdle muscular dystrophy type 2U. Last evaluated: 2025-01-12. Review status: criteria provided, single submitter. Criteria: Invitae Variant Classification Sherloc (09022015). Collection method: clinical testing. Allele origin: germline.
Comment: This variant results in the deletion of part of exon 4 (c.769_789+179del) of the ISPD gene. It is expected to disrupt RNA splicing. Variants that disrupt the donor or acceptor splice site typically lead to a loss of protein function (PMID: 16199547), and loss-of-function variants in ISPD are known to be pathogenic (PMID: 23288328). This variant is not present in population databases (gnomAD no frequency). This variant has not been reported in the literature in individuals affected with ISPD-related conditions. In summary, the currently available evidence indicates that the variant is pathogenic, but additional data are needed to prove that conclusively. Therefore, this variant has been classified as Likely Pathogenic.

Literature cited by the submitters: PubMed 16199547; PubMed 23288328.

NM_001101426.4(CRPPA):c.769_789+179del

Gene: CRPPA (CDP-L-ribitol pyrophosphorylase A; minus strand). Cytogenetic location: 7p21.2.
Variant type: Deletion.
Coding change: c.769_789+179del on transcript NM_001101426.4 (MANE Select); coding-DNA position 769 through 179 bases into the intron after coding-DNA position 789, 200 bases deleted.
Molecular consequence: splice donor variant. On other transcripts: intron variant (1).
Genome position (GRCh38, 1-based): chr7:16,308,344-16,308,543, 200 bases deleted. GRCh37 (hg19): chr7:16,347,971-16,348,170.
Other names: c.619_639+179del (NM_001101417.4); c.685-7077_685-6878del (NM_001368197.1).
Identifiers: ClinVar variation 3760301 (VCV003760301.2).